The following is an entry in ClinVar:

NM_001283.5(AP1S1):c.261C>G (p.Tyr87Ter)

Genes: AP1S1 (adaptor related protein complex 1 subunit sigma 1; plus strand), LOC126860125 (BRD4-independent group 4 enhancer GRCh37_chr7:100799642-100800841; plus strand). Cytogenetic location: 7q22.1.
Variant type: single nucleotide variant.
Coding change: c.261C>G on transcript NM_001283.5 (MANE Select); coding-DNA position 261, C replaced by G.
Protein change: p.Tyr87Ter; replaces tyrosine 87 with a stop codon.
Molecular consequence: nonsense.
Genome position (GRCh38, 1-based): chr7:101,157,455, C>G. VCF-style: chr7-101157455-C-G. GRCh37 (hg19) VCF-style: chr7-100800736-C-G.
Other names: short protein forms Y87*.
Identifiers: ClinVar variation 2979276 (VCV002979276.3), dbSNP rs780629485, ClinGen allele CA368624222.

ClinVar aggregate classification (germline): Pathogenic (1 of 4 stars; one submission).

Submission:

Labcorp Genetics (formerly Invitae), Labcorp
Classification: Pathogenic. Last evaluated: 2023-07-29. Review status: criteria provided, single submitter. Criteria: Invitae Variant Classification Sherloc (09022015). Collection method: clinical testing. Allele origin: germline.
Comment: For these reasons, this variant has been classified as Pathogenic. This variant has not been reported in the literature in individuals affected with AP1S1-related conditions. This variant is not present in population databases (gnomAD no frequency). This sequence change creates a premature translational stop signal (p.Tyr87*) in the AP1S1 gene. It is expected to result in an absent or disrupted protein product. Loss-of-function variants in AP1S1 are known to be pathogenic (PMID: 19057675, 23423674).

Literature cited by the submitters: PubMed 19057675; PubMed 23423674.